The following is an entry in ClinVar:

NM_001844.5(COL2A1):c.1303G>C (p.Gly435Arg)

Gene: COL2A1 (collagen type II alpha 1 chain; minus strand). Cytogenetic location: 12q13.11.
Variant type: single nucleotide variant.
Coding change: c.1303G>C on transcript NM_001844.5 (MANE Select); coding-DNA position 1303, G replaced by C.
Protein change: p.Gly435Arg; replaces glycine 435 with arginine.
Molecular consequence: missense variant.
Genome position (GRCh38, 1-based): chr12:47,987,140, C>G on the plus strand (G>C on the coding strand, the complement: COL2A1 is on the minus strand). VCF-style: chr12-47987140-C-G. GRCh37 (hg19) VCF-style: chr12-48380923-C-G.
Other names: c.1096G>C, p.Gly366Arg (NM_033150.3); short protein forms G366R, G435R.
Identifiers: ClinVar variation 4292112 (VCV004292112.1).

ClinVar aggregate classification (germline): Uncertain significance (1 of 4 stars; one submission).

Conditions:
COL2A1-related disorder. Also called: COL2A1-related condition; COL2A1-related disorders.

Submission:

3billion
Classification: Uncertain significance for COL2A1-related disorder. Last evaluated: 2024-09-05. Review status: criteria provided, single submitter. Criteria: ACMG Guidelines, 2015. Collection method: clinical testing. Allele origin: germline. Affected: yes.
Comment: The variant is not observed in the gnomAD v4.0.0 dataset. Predicted Consequence/Location: The variant is located in a mutational hot spot and/or well-established functional domain in which established pathogenic variants have been reported (PMID: 26626311). In silico tool predictions suggest damaging effect of the variant on gene or gene product [REVEL: 0.98 (>=0.6, sensitivity 0.68 and specificity 0.92); 3Cnet: 0.99 (>=0.6, sensitivity 0.72 and precision 0.9)]. Therefore, this variant is classified as VUS according to the recommendation of ACMG/AMP guideline.

Literature cited by the submitters: PubMed 26626311.